The following is an entry in ClinVar:

ClinVar aggregate classification (germline): Pathogenic. Review status: no assertion criteria provided (0 of 4 stars). 2 submissions from 2 submitters: Pathogenic (2). Last evaluated 2011-02-07.

Conditions:
Fanconi anemia complementation group G. Also called: FANCG-Related Fanconi Anemia; Fanconi anemia group G. Identifiers: Orphanet 84, MedGen C3469527, MONDO:0013565, OMIM 614082.

Submissions (2):

Leiden Open Variation Database
Classification: Pathogenic for Fanconi anemia complementation group G. Last evaluated: 2011-02-07. Review status: no assertion criteria provided. Collection method: curation. Allele origin: germline. Affected: yes.
Comment: Curator: Arleen D. Auerbach. Submitter to LOVD: Arleen D. Auerbach.

OMIM
Classification: Pathogenic for FANCONI ANEMIA, COMPLEMENTATION GROUP G. Last evaluated: 2000-11-01. Review status: no assertion criteria provided. Collection method: literature only. Allele origin: germline.

Literature cited by the submitters: PubMed 09806548 (cited by Leiden Open Variation Database); PubMed 11093276 (cited by OMIM).

NM_004629.2(FANCG):c.1761-1G>C

Gene: FANCG (FA complementation group G; minus strand). Cytogenetic location: 9p13.3.
Variant type: single nucleotide variant.
Coding change: c.1761-1G>C on transcript NM_004629.2 (MANE Select); the canonical splice acceptor site of the intron before coding-DNA position 1761, G replaced by C.
Molecular consequence: splice acceptor variant.
Genome position (GRCh38, 1-based): chr9:35,074,217, C>G on the plus strand (G>C on the coding strand, the complement: FANCG is on the minus strand). VCF-style: chr9-35074217-C-G. GRCh37 (hg19) VCF-style: chr9-35074214-C-G.
Other names: IVS13, G-C, -1.
Identifiers: ClinVar variation 929707 (VCV000929707.2), dbSNP rs1829035889, ClinGen allele CA373300161.